The following is an entry in ClinVar:

ClinVar aggregate classification (germline): Uncertain significance (1 of 4 stars; one submission).

Submission:

Labcorp Genetics (formerly Invitae), Labcorp
Classification: Uncertain significance. Last evaluated: 2024-03-16. Review status: criteria provided, single submitter. Criteria: Invitae Variant Classification Sherloc (09022015). Collection method: clinical testing. Allele origin: germline.
Comment: This sequence change replaces leucine, which is neutral and non-polar, with valine, which is neutral and non-polar, at codon 63 of the PROM1 protein (p.Leu63Val). This variant is not present in population databases (gnomAD no frequency). This variant has not been reported in the literature in individuals affected with PROM1-related conditions. Advanced modeling of protein sequence and biophysical properties (such as structural, functional, and spatial information, amino acid conservation, physicochemical variation, residue mobility, and thermodynamic stability) performed at Invitae indicates that this missense variant is not expected to disrupt PROM1 protein function with a negative predictive value of 80%. In summary, the available evidence is currently insufficient to determine the role of this variant in disease. Therefore, it has been classified as a Variant of Uncertain Significance.

NM_006017.3(PROM1):c.187C>G (p.Leu63Val)

Gene: PROM1 (prominin 1; minus strand). Cytogenetic location: 4p15.32.
Variant type: single nucleotide variant.
Coding change: c.187C>G on transcript NM_006017.3 (MANE Select); coding-DNA position 187, C replaced by G.
Protein change: p.Leu63Val; replaces leucine 63 with valine.
Molecular consequence: missense variant.
Genome position (GRCh38, 1-based): chr4:16,075,720, G>C on the plus strand (C>G on the coding strand, the complement: PROM1 is on the minus strand). VCF-style: chr4-16075720-G-C. GRCh37 (hg19) VCF-style: chr4-16077343-G-C.
Other names: c.187C>G, p.Leu63Val (NM_001145847.2, NM_001145848.2, NM_001145849.2 and 6 more transcripts); short protein forms L63V.
Identifiers: ClinVar variation 3646391 (VCV003646391.2).